The following is an entry in ClinVar:

ClinVar aggregate classification (germline): Uncertain significance (1 of 4 stars; one submission).

Conditions:
Hereditary cancer-predisposing syndrome. Also called: Tumor predisposition; Hereditary Cancer Syndrome; Hereditary neoplastic syndrome; Neoplastic Syndromes, Hereditary. Identifiers: Orphanet 140162, MedGen C0027672, MeSH D009386, MONDO:0015356.

Submission:

Ambry Genetics
Classification: Uncertain significance for Hereditary cancer-predisposing syndrome. Last evaluated: 2024-05-24. Review status: criteria provided, single submitter. Criteria: Ambry Variant Classification Scheme 2023. Collection method: clinical testing. Allele origin: germline.
Comment: The p.E641K variant (also known as c.1921G>A), located in coding exon 11 of the ALK gene, results from a G to A substitution at nucleotide position 1921. The glutamic acid at codon 641 is replaced by lysine, an amino acid with similar properties. This amino acid position is conserved. In addition, this alteration is predicted to be deleterious by in silico analysis. Based on the available evidence, the clinical significance of this variant remains unclear.

NM_004304.5(ALK):c.1921G>A (p.Glu641Lys)

Gene: ALK (ALK receptor tyrosine kinase; minus strand). Cytogenetic location: 2p23.2.
Variant type: single nucleotide variant.
Coding change: c.1921G>A on transcript NM_004304.5 (MANE Select); coding-DNA position 1921, G replaced by A.
Protein change: p.Glu641Lys; replaces glutamic acid 641 with lysine.
Molecular consequence: missense variant.
Genome position (GRCh38, 1-based): chr2:29,275,219, C>T on the plus strand (G>A on the coding strand, the complement: ALK is on the minus strand). VCF-style: chr2-29275219-C-T. GRCh37 (hg19) VCF-style: chr2-29498085-C-T.
Other names: short protein forms E641K.
Identifiers: ClinVar variation 3286304 (VCV003286304.1).